The following is an entry in ClinVar:

ClinVar aggregate classification (germline): Uncertain significance. Review status: criteria provided, single submitter (1 of 4 stars). 2 submissions from 2 submitters: Uncertain significance (1). 1 of the submissions does not count toward it. Last evaluated 2023-06-14.

Conditions:
TANC2-related disorder. Also called: TANC2-related condition.

Allele frequency attached by ClinVar (database versions not stated): TOPMed below 0.00001; gnomAD 0.00001; gnomAD exomes 0.00001; 1000 Genomes Project 30x 0.00016.
gnomAD v4.1: 12 of 1,613,838 alleles (0.00074%); highest among the groups gnomAD compares: Non-Finnish European, 0.001%; no homozygotes.

Submissions (2):

Women's Health and Genetics/Laboratory Corporation of America, LabCorp
Classification: Uncertain significance. Last evaluated: 2023-06-14. Review status: criteria provided, single submitter. Criteria: LabCorp Variant Classification Summary - May 2015. Collection method: clinical testing. Allele origin: germline.
Comment: Variant summary: TANC2 c.1885T>A (p.Ser629Thr) results in a conservative amino acid change in the encoded protein sequence. Four of five in-silico tools predict a benign effect of the variant on protein function. The variant was absent in 248792 control chromosomes (gnomAD). The available data on variant occurrences in the general population are insufficient to allow any conclusion about variant significance. To our knowledge, no occurrence of c.1885T>A in individuals affected with Intellectual Developmental Disorder With Autistic Features And Language Delay, With Or Without Seizures and no experimental evidence demonstrating its impact on protein function have been reported. No clinical diagnostic laboratories have submitted clinical-significance assessments for this variant to ClinVar after 2014. Based on the evidence outlined above, the variant was classified as uncertain significance.

PreventionGenetics, part of Exact Sciences
Classification: Uncertain significance for TANC2-related condition. Last evaluated: 2024-02-14. Review status: no assertion criteria provided. Collection method: clinical testing. Allele origin: germline. Not counted in ClinVar's aggregate classification.
Comment: The TANC2 c.1885T>A variant is predicted to result in the amino acid substitution p.Ser629Thr. To our knowledge, this variant has not been reported in the literature or in a large population database, indicating this variant is rare. At this time, the clinical significance of this variant is uncertain due to the absence of conclusive functional and genetic evidence.

NM_001394998.1(TANC2):c.2107T>A (p.Ser703Thr)

Gene: TANC2 (tetratricopeptide repeat, ankyrin repeat and coiled-coil containing 2; plus strand). Cytogenetic location: 17q23.3.
Variant type: single nucleotide variant.
Coding change: c.2107T>A on transcript NM_001394998.1 (MANE Select); coding-DNA position 2107, T replaced by A.
Protein change: p.Ser703Thr; replaces serine 703 with threonine.
Molecular consequence: missense variant.
Genome position (GRCh38, 1-based): chr17:63,354,915, T>A. VCF-style: chr17-63354915-T-A. GRCh37 (hg19) VCF-style: chr17-61432276-T-A.
Other names: c.1885T>A, p.Ser629Thr (NM_001411076.1, NM_025185.4); short protein forms S629T, S703T.
Identifiers: ClinVar variation 2573622 (VCV002573622.3), dbSNP rs2046738313, ClinGen allele CA400523565.